The following is an entry in ClinVar:

NM_016277.5(RAB23):c.313_316del (p.Glu105fs)

Gene: RAB23 (RAB23, member RAS oncogene family; minus strand). Cytogenetic location: 6p12.1.
Variant type: Microsatellite.
Coding change: c.313_316del on transcript NM_016277.5 (MANE Select); coding-DNA positions 313 to 316, 4 bases deleted (GAGA; older notation c.313_316delGAGA).
Protein change: p.Glu105fs; shifts the reading frame from glutamic acid 105.
Molecular consequence: frameshift variant.
Genome position (GRCh38, 1-based): chr6:57,196,532-57,196,535, TCTC deleted on the plus strand (GAGA on the coding strand, the reverse complement: RAB23 is on the minus strand); deleting any 4 consecutive bases within chr6:57,196,532-57,196,539 gives the same sequence; the c. name uses the placement nearest the transcript's 3' end. VCF-style (leftmost placement, unchanged base first): chr6-57196531-TTCTC-T. GRCh37 (hg19) VCF-style: chr6-57061329-TTCTC-T.
Other names: c.313_316del, p.Glu105fs (NM_001278666.2, NM_001278667.2, NM_001278668.2 and 1 more transcripts); short protein forms E105fs.
Identifiers: ClinVar variation 3008390 (VCV003008390.3), dbSNP rs780393504, ClinGen allele CA3873853.

ClinVar aggregate classification (germline): Pathogenic (1 of 4 stars; one submission).

Conditions:
Carpenter syndrome. Identifiers: Orphanet 65759, MedGen C1275078, MONDO:0019012.

Submission:

Labcorp Genetics (formerly Invitae), Labcorp
Classification: Pathogenic for Carpenter syndrome. Last evaluated: 2023-06-29. Review status: criteria provided, single submitter. Criteria: Invitae Variant Classification Sherloc (09022015). Collection method: clinical testing. Allele origin: germline.
Comment: This sequence change creates a premature translational stop signal (p.Glu105Lysfs*2) in the RAB23 gene. It is expected to result in an absent or disrupted protein product. Loss-of-function variants in RAB23 are known to be pathogenic (PMID: 17503333, 21412941). This variant is present in population databases (rs780393504, gnomAD 0.0009%). For these reasons, this variant has been classified as Pathogenic. This variant has not been reported in the literature in individuals affected with RAB23-related conditions.

Literature cited by the submitters: PubMed 17503333; PubMed 21412941.